The following is an entry in ClinVar:

NM_001286.5(CLCN6):c.786G>C (p.Leu262Phe)

Gene: CLCN6 (Cl-/H+ antiporter 6; plus strand). Cytogenetic location: 1p36.22.
Variant type: single nucleotide variant.
Coding change: c.786G>C on transcript NM_001286.5 (MANE Select); coding-DNA position 786, G replaced by C.
Protein change: p.Leu262Phe; replaces leucine 262 with phenylalanine.
Molecular consequence: missense variant. On other transcripts: non-coding transcript variant (1).
Genome position (GRCh38, 1-based): chr1:11,827,167, G>C. VCF-style: chr1-11827167-G-C. GRCh37 (hg19) VCF-style: chr1-11887224-G-C.
Other names: c.786G>C (NM_001286.2); c.720G>C, p.Leu240Phe (NM_001256959.2); short protein forms L262F, L240F.
Identifiers: ClinVar variation 1401839 (VCV001401839.10), dbSNP rs775989333, ClinGen allele CA596239.

ClinVar aggregate classification (germline): Uncertain significance. Review status: criteria provided, multiple submitters, no conflicts (2 of 4 stars). 3 submissions from 3 submitters: Uncertain significance (3). Last evaluated 2026-02-05.

Allele frequency attached by ClinVar (database versions not stated): ExAC 0.00001; gnomAD 0.00003 and 0.00004; gnomAD exomes 0.00004 and 0.00003; TOPMed 0.00003.

Submissions (3):

Dasa
Classification: Uncertain significance. Last evaluated: 2026-02-05. Review status: criteria provided, single submitter. Criteria: DASA Assertion Criteria. Collection method: clinical testing. Allele origin: germline.
Comment: NM_001286.5(CLCN6):c.786G>C (p.Leu262Phe) is a missense variant that results in the substitution of leucine with phenylalanine. This variant is rare in population databases. Computational prediction algorithms are consistent with a deleterious effect. The currently available literature and clinical evidence are not sufficient to establish a definitive association between this variant and the reported condition. Therefore, this variant is classified as a variant of uncertain significance.

Labcorp Genetics (formerly Invitae), Labcorp
Classification: Uncertain significance. Last evaluated: 2026-01-28. Review status: criteria provided, single submitter. Criteria: Invitae Variant Classification Sherloc (09022015). Collection method: clinical testing. Allele origin: germline.
Comment: This sequence change replaces leucine, which is neutral and non-polar, with phenylalanine, which is neutral and non-polar, at codon 262 of the CLCN6 protein (p.Leu262Phe). This variant is present in population databases (rs775989333, gnomAD 0.006%). This variant has not been reported in the literature in individuals affected with CLCN6-related conditions. ClinVar contains an entry for this variant (Variation ID: 1401839). An algorithm developed to predict the effect of missense changes on protein structure and function (PolyPhen-2) suggests that this variant is likely to be disruptive. In summary, the available evidence is currently insufficient to determine the role of this variant in disease. Therefore, it has been classified as a Variant of Uncertain Significance.

Ambry Genetics
Classification: Uncertain significance. Last evaluated: 2025-11-02. Review status: criteria provided, single submitter. Criteria: Ambry Variant Classification Scheme 2023. Collection method: clinical testing. Allele origin: germline.